The following is an entry in ClinVar:

NM_181458.4(PAX3):c.873dup (p.Gly292fs)

Gene: PAX3 (paired box 3; minus strand). Cytogenetic location: 2q36.1.
Variant type: Duplication.
Coding change: c.873dup on transcript NM_181458.4 (MANE Select); coding-DNA position 873, one base duplicated (C; older notation c.873dupC).
Protein change: p.Gly292fs; shifts the reading frame from glycine 292.
Molecular consequence: frameshift variant.
Genome position (GRCh38, 1-based): chr2:222,221,307, G duplicated on the plus strand (C on the coding strand, the reverse complement: PAX3 is on the minus strand); the first of 3 consecutive G bases (chr2:222,221,307-222,221,309); duplicating any one gives the same sequence. VCF-style (leftmost placement, unchanged base first): chr2-222221306-C-CG. GRCh37 (hg19) VCF-style: chr2-223086025-C-CG.
Other names: NM_001127366.2:c.870dupC; p.Gly291ArgfsX118; c.873dupC (NM_181457.4); c.873dup (NM_181457.3); c.870dup, p.Gly291fs (NM_001127366.3); c.873dup, p.Gly292fs (NM_181457.4, NM_181459.4, NM_181460.4 and 1 more transcripts); short protein forms G292fs, G291fs.
Identifiers: ClinVar variation 517263 (VCV000517263.15), dbSNP rs1553572976, ClinGen allele CA658796182.

ClinVar aggregate classification (germline): Pathogenic/Likely pathogenic. Review status: criteria provided, multiple submitters, no conflicts (2 of 4 stars). 5 submissions from 5 submitters: Pathogenic (4); Likely pathogenic (1). Last evaluated 2026-08-13.

Conditions:
Waardenburg syndrome type 1 (WS1). Also called: Waardenburg Syndrome Type I; WAARDENBURG SYNDROME WITH DYSTOPIA CANTHORUM. Identifiers: Orphanet 894, MedGen C1847800, MONDO:0008670, OMIM 193500.
Rare genetic deafness. Identifiers: Orphanet 96210, MedGen C5680250.

Submissions (5):

GeneDx
Classification: Likely pathogenic. Last evaluated: 2026-08-13. Review status: criteria provided, single submitter. Criteria: GeneDx Variant Classification Process June 2021. Collection method: clinical testing. Allele origin: germline.
Comment: Frameshift variant predicted to result in abnormal protein length as the last 188 amino acid(s) are replaced with 117 different amino acid(s), and other similar variants have been reported in HGMD; Not observed at significant frequency in large population cohorts (gnomAD); This variant is associated with the following publications: (PMID: 20127975)

Labcorp Genetics (formerly Invitae), Labcorp
Classification: Pathogenic. Last evaluated: 2025-08-02. Review status: criteria provided, single submitter. Criteria: Invitae Variant Classification Sherloc (09022015). Collection method: clinical testing. Allele origin: germline.
Comment: This sequence change creates a premature translational stop signal (p.Gly292Argfs*118) in the PAX3 gene. While this is not anticipated to result in nonsense mediated decay, it is expected to disrupt the last 188 amino acid(s) of the PAX3 protein. This variant is not present in population databases (gnomAD no frequency). This premature translational stop signal has been observed in individual(s) with Waardenburg syndrome, type 3 (PMID: 20127975). ClinVar contains an entry for this variant (Variation ID: 517263). This variant disrupts a region of the PAX3 protein in which other variant(s) (p.Gln405Argfs*29) have been determined to be pathogenic (PMID: 9654197; internal data). This suggests that this is a clinically significant region of the protein, and that variants that disrupt it are likely to be disease-causing. For these reasons, this variant has been classified as Pathogenic.

Women's Health and Genetics/Laboratory Corporation of America, LabCorp
Classification: Pathogenic for Waardenburg syndrome type 1. Last evaluated: 2024-11-14. Review status: criteria provided, single submitter. Criteria: LabCorp Variant Classification Summary - May 2015. Collection method: clinical testing. Allele origin: germline.
Comment: Variant summary: PAX3 c.873dupC (p.Gly292ArgfsX118) results in a premature termination codon, predicted to cause a truncation of the encoded protein or absence of the protein due to nonsense mediated decay, which are commonly known mechanisms for disease. The variant was absent in 251192 control chromosomes. c.873dupC has been reported in the literature in individuals affected with Waardenburg Syndrome (example: Pingault_2010). To our knowledge, no experimental evidence demonstrating an impact on protein function has been reported. The following publication has been ascertained in the context of this evaluation (PMID: 20127975). ClinVar contains an entry for this variant (Variation ID: 517263). Based on the evidence outlined above, the variant was classified as pathogenic.

Centre of Medical Genetics, University Hospital Muenster
Classification: Pathogenic. Last evaluated: 2022-01-20. Review status: criteria provided, single submitter. Criteria: ACMG Guidelines, 2015. Collection method: clinical testing. Allele origin: unknown. Affected: yes. Observed: 1 variant allele, 1 heterozygote.
Comment: ACMG categories: PVS1,PM2,PP3,PP5

Laboratory for Molecular Medicine, Mass General Brigham Personalized Medicine
Classification: Pathogenic for Rare genetic deafness. Last evaluated: 2017-01-31. Review status: criteria provided, single submitter. Criteria: LMM Criteria. Collection method: clinical testing. Allele origin: germline. Inheritance: Autosomal dominant inheritance. Observed: 1 variant allele.
Comment: The p.Gly291fs variant in PAX3 has been reported in 1 individual with Waardenbur g syndrome type I (Pingault 2010). It has not been identified in large populati on studies. This variant is predicted to cause a frameshift, which alters the pr otein?s amino acid sequence beginning at position 291 and leads to a premature t ermination codon 118 amino acids downstream. This alteration is then predicted t o lead to a truncated or absent protein. Heterozygous loss of function of the PA X3 gene is an established disease mechanism in Waardenburg syndrome. In summary, this variant meets criteria to be classified as pathogenic for Waardenburg synd rome in an autosomal dominant manner based upon its predicted impact to the prot ein, presence in a previously reported affected individual, and extremely low fr equency in the general population.

Literature cited by the submitters: PubMed 20127975 (cited by 3 submitters); PubMed 9654197 (cited by Labcorp Genetics (formerly Invitae), Labcorp).